The following is an entry in ClinVar:

ClinVar aggregate classification (germline): Conflicting classifications of pathogenicity. Review status: criteria provided, conflicting classifications (1 of 4 stars). 2 submissions from 2 submitters: Likely pathogenic (1); Uncertain significance (1). Last evaluated 2019-04-17.

Conditions:
Long QT syndrome (LQTS). Identifiers: MedGen C0023976, MeSH D008133, MONDO:0002442. Disease mechanism: loss of function. Inheritance: Various modes of inheritance.

Submissions (2):

Labcorp Genetics (formerly Invitae), Labcorp
Classification: Uncertain significance for Long QT syndrome. Last evaluated: 2019-04-17. Review status: criteria provided, single submitter. Criteria: Invitae Variant Classification Sherloc (09022015). Collection method: clinical testing. Allele origin: germline.
Comment: This sequence change replaces isoleucine with phenylalanine at codon 337 of the KCNQ1 protein (p.Ile337Phe). The isoleucine residue is highly conserved and there is a small physicochemical difference between isoleucine and phenylalanine. This variant is not present in population databases (ExAC no frequency). This variant has not been reported in the literature in individuals with KCNQ1-related conditions. ClinVar contains an entry for this variant (Variation ID: 200832). Algorithms developed to predict the effect of missense changes on protein structure and function are either unavailable or do not agree on the potential impact of this missense change (SIFT: "Deleterious"; PolyPhen-2: "Probably Damaging"; Align-GVGD: "Class C15"). In summary, the available evidence is currently insufficient to determine the role of this variant in disease. Therefore, it has been classified as a Variant of Uncertain Significance.

GeneDx
Classification: Likely pathogenic. Last evaluated: 2012-12-18. Review status: criteria provided, single submitter. Criteria: GeneDx Variant Classification (06012015). Collection method: clinical testing. Allele origin: germline. Affected: yes.
Comment: p.Ile337Phe (ATC>TTC): c.1009 A>T in exon 7 of the KCNQ1 gene (NM_000218.2). The Ile337Phe variant in the KCNQ1 gene has not been reported as a disease-causing mutation or as a benign polymorphism to our knowledge. Ile337Phe results in a semi-conservative amino acid substitution of a non-polar Isoleucine with a large, non-polar Phenylalanine at a position that is conserved across species. In silico analysis predicts Ile337Phe is probably damaging to the protein structure/function. Mutations in nearby residues (Ser338Phe, Phe339Ser, Phe339Tyr) have been reported in association with LQTS, further supporting the functional importance of this region of the protein. Furthermore, the NHLBI ESP Exome Variant Server reports Ile337Phe was not observed in approximately 6,500 samples from individuals of European and African American backgrounds, indicating it is not a common benign variant in these populations. In summary, while Ile337Phe is a good candidate for a disease-causing mutation, with the clinical and molecular information available at this time we cannot unequivocally determine the clinical significance of this variant. The variant is found in LQT panel(s).

NM_000218.3(KCNQ1):c.1009A>T (p.Ile337Phe)

Gene: KCNQ1 (potassium voltage-gated channel subfamily Q member 1; plus strand). Cytogenetic location: 11p15.5.
Variant type: single nucleotide variant.
Coding change: c.1009A>T on transcript NM_000218.3 (MANE Select); coding-DNA position 1009, A replaced by T.
Protein change: p.Ile337Phe; replaces isoleucine 337 with phenylalanine.
Molecular consequence: missense variant.
Genome position (GRCh38, 1-based): chr11:2,583,522, A>T. VCF-style: chr11-2583522-A-T. GRCh37 (hg19) VCF-style: chr11-2604752-A-T.
Other names: p.I337F:ATC>TTC; c.1009A>T, p.Ile337Phe (NM_001406836.1); c.739A>T, p.Ile247Phe (NM_001406837.1); c.565A>T, p.Ile189Phe (NM_001406838.1); c.628A>T, p.Ile210Phe (NM_181798.2); short protein forms I210F, I337F, I247F, I189F.
Identifiers: ClinVar variation 200832 (VCV000200832.13), dbSNP rs794728520, ClinGen allele CA004814.